The following is an entry in ClinVar:

ClinVar aggregate classification (germline): Uncertain significance. Review status: criteria provided, multiple submitters, no conflicts (2 of 4 stars). 2 submissions from 2 submitters: Uncertain significance (2). Last evaluated 2025-03-18.

Conditions:
Cardiovascular phenotype. Identifiers: MedGen CN230736.
Hereditary cancer-predisposing syndrome. Also called: Neoplastic Syndromes, Hereditary; Tumor predisposition; Hereditary Cancer Syndrome; Hereditary neoplastic syndrome. Identifiers: Orphanet 140162, MedGen C0027672, MeSH D009386, MONDO:0015356.
Neurofibromatosis, type 1 (NF1). Also called: VON RECKLINGHAUSEN DISEASE; NEUROFIBROMATOSIS, TYPE I, SOMATIC; Neurofibromatosis, type I; Peripheral type neurofibromatosis. Identifiers: Orphanet 636, MedGen C0027831, MONDO:0018975, OMIM 162200. Disease mechanism: loss of function.

Allele frequency attached by ClinVar (database versions not stated): gnomAD 0.00001.

Submissions (2):

Ambry Genetics
Classification: Uncertain significance for Cardiovascular phenotype; Hereditary cancer-predisposing syndrome. Last evaluated: 2025-03-18. Review status: criteria provided, single submitter. Criteria: Ambry Variant Classification Scheme 2023. Collection method: clinical testing. Allele origin: germline.
Comment: The c.3870+5G>A intronic variant results from a G to A substitution 5 nucleotides after coding exon 28 in the NF1 gene. This nucleotide position is well conserved in available vertebrate species. In silico splice site analysis for this alteration is inconclusive. Based on the available evidence, the clinical significance of this variant remains unclear.

Labcorp Genetics (formerly Invitae), Labcorp
Classification: Uncertain significance for Neurofibromatosis, type 1. Last evaluated: 2024-10-22. Review status: criteria provided, single submitter. Criteria: Invitae Variant Classification Sherloc (09022015). Collection method: clinical testing. Allele origin: germline.
Comment: This sequence change falls in intron 28 of the NF1 gene. It does not directly change the encoded amino acid sequence of the NF1 protein. It affects a nucleotide within the consensus splice site. This variant is not present in population databases (gnomAD no frequency). This variant has not been reported in the literature in individuals affected with NF1-related conditions. ClinVar contains an entry for this variant (Variation ID: 1735699). Variants that disrupt the consensus splice site are a relatively common cause of aberrant splicing (PMID: 17576681, 9536098). RNA analysis performed to evaluate the impact of this variant on mRNA splicing indicates it does not significantly alter splicing (internal data). In summary, the available evidence is currently insufficient to determine the role of this variant in disease. Therefore, it has been classified as a Variant of Uncertain Significance.

Literature cited by the submitters: PubMed 17576681 (cited by Labcorp Genetics (formerly Invitae), Labcorp); PubMed 9536098 (cited by Labcorp Genetics (formerly Invitae), Labcorp).

NM_001042492.3(NF1):c.3870+5G>A

Gene: NF1 (neurofibromin 1; plus strand). Cytogenetic location: 17q11.2.
Variant type: single nucleotide variant.
Coding change: c.3870+5G>A on transcript NM_001042492.3 (MANE Select); 5 bases into the intron after coding-DNA position 3870, G replaced by A.
Molecular consequence: intron variant.
Genome position (GRCh38, 1-based): chr17:31,235,777, G>A. VCF-style: chr17-31235777-G-A. GRCh37 (hg19) VCF-style: chr17-29562795-G-A.
Other names: c.3870+5G>A (NM_000267.4).
Identifiers: ClinVar variation 1735699 (VCV001735699.5), dbSNP rs2151438092, ClinGen allele CA2580093104.